The following is an entry in ClinVar:

ClinVar aggregate classification (germline): Uncertain significance. Review status: criteria provided, multiple submitters, no conflicts (2 of 4 stars). 2 submissions from 2 submitters: Uncertain significance (2). Last evaluated 2021-08-13.

Conditions:
Hypertrophic cardiomyopathy 15. Identifiers: MedGen C2750459, MONDO:0013200, OMIM 613255.
Dilated cardiomyopathy 1W (CMD1W). Identifiers: Orphanet 154, MedGen C1969639, MONDO:0012667, OMIM 611407.

Submissions (2):

Fulgent Genetics
Classification: Uncertain significance for Dilated cardiomyopathy 1W; Hypertrophic cardiomyopathy 15. Last evaluated: 2021-08-13. Review status: criteria provided, single submitter. Criteria: ACMG Guidelines, 2015. Collection method: clinical testing. Allele origin: unknown.

Labcorp Genetics (formerly Invitae), Labcorp
Classification: Uncertain significance for Dilated cardiomyopathy 1W. Last evaluated: 2021-01-05. Review status: criteria provided, single submitter. Criteria: Invitae Variant Classification Sherloc (09022015). Collection method: clinical testing. Allele origin: germline.
Comment: Algorithms developed to predict the effect of missense changes on protein structure and function are either unavailable or do not agree on the potential impact of this missense change (SIFT: "Not Available"; PolyPhen-2: "Benign"; Align-GVGD: "Not Available"). This variant has not been reported in the literature in individuals with VCL-related conditions. This variant is not present in population databases (ExAC no frequency). This sequence change replaces threonine with alanine at codon 378 of the VCL protein (p.Thr378Ala). The threonine residue is moderately conserved and there is a small physicochemical difference between threonine and alanine. In summary, the available evidence is currently insufficient to determine the role of this variant in disease. Therefore, it has been classified as a Variant of Uncertain Significance.

NM_014000.3(VCL):c.1132A>G (p.Thr378Ala)

Gene: VCL (vinculin; plus strand). Cytogenetic location: 10q22.2.
Variant type: single nucleotide variant.
Coding change: c.1132A>G on transcript NM_014000.3 (MANE Select); coding-DNA position 1132, A replaced by G.
Protein change: p.Thr378Ala; replaces threonine 378 with alanine.
Molecular consequence: missense variant.
Genome position (GRCh38, 1-based): chr10:74,089,305, A>G. VCF-style: chr10-74089305-A-G. GRCh37 (hg19) VCF-style: chr10-75849063-A-G.
Other names: c.1132A>G, p.Thr378Ala (NM_003373.4); short protein forms T378A.
Identifiers: ClinVar variation 1483772 (VCV001483772.7), dbSNP rs2131907756, ClinGen allele CA377272760.